The following is an entry in ClinVar:

NM_032444.4(SLX4):c.2793_2805del (p.Gln934fs)

Gene: SLX4 (SLX4 structure-specific endonuclease subunit; minus strand). Cytogenetic location: 16p13.3.
Variant type: Deletion.
Coding change: c.2793_2805del on transcript NM_032444.4 (MANE Select); coding-DNA positions 2793 to 2805, 13 bases deleted (CCAGGGCCAGCAC).
Protein change: p.Gln934fs; shifts the reading frame from glutamine 934.
Molecular consequence: frameshift variant.
Genome position (GRCh38, 1-based): chr16:3,590,833-3,590,845, GTGCTGGCCCTGG deleted on the plus strand (CCAGGGCCAGCAC on the coding strand, the reverse complement: SLX4 is on the minus strand); deleting any 13 consecutive bases within chr16:3,590,833-3,590,846 gives the same sequence; the c. name uses the placement nearest the transcript's 3' end. VCF-style (leftmost placement, unchanged base first): chr16-3590832-AGTGCTGGCCCTGG-A. GRCh37 (hg19) VCF-style: chr16-3640833-AGTGCTGGCCCTGG-A.
Other names: short protein forms Q934fs.
Identifiers: ClinVar variation 2914163 (VCV002914163.3), dbSNP rs2040580523, ClinGen allele CA973886703.

ClinVar aggregate classification (germline): Pathogenic (1 of 4 stars; one submission).

Conditions:
Fanconi anemia (FA). Also called: Fanconi's anemia. Identifiers: Orphanet 84, MedGen C0015625, MeSH D005199, MONDO:0019391.

Submission:

Labcorp Genetics (formerly Invitae), Labcorp
Classification: Pathogenic for Fanconi anemia. Last evaluated: 2023-09-08. Review status: criteria provided, single submitter. Criteria: Invitae Variant Classification Sherloc (09022015). Collection method: clinical testing. Allele origin: germline.
Comment: This sequence change creates a premature translational stop signal (p.Gln934Hisfs*63) in the SLX4 gene. It is expected to result in an absent or disrupted protein product. Loss-of-function variants in SLX4 are known to be pathogenic (PMID: 21240277). For these reasons, this variant has been classified as Pathogenic. This variant has not been reported in the literature in individuals affected with SLX4-related conditions. This variant is not present in population databases (gnomAD no frequency).

Literature cited by the submitters: PubMed 21240277.